The following is an entry in ClinVar:

NM_000297.4(PKD2):c.2774T>C (p.Ile925Thr)

Gene: PKD2 (polycystin 2, transient receptor potential cation channel; plus strand). Cytogenetic location: 4q22.1.
Variant type: single nucleotide variant.
Coding change: c.2774T>C on transcript NM_000297.4 (MANE Select); coding-DNA position 2774, T replaced by C.
Protein change: p.Ile925Thr; replaces isoleucine 925 with threonine.
Molecular consequence: missense variant. On other transcripts: non-coding transcript variant (1).
Genome position (GRCh38, 1-based): chr4:88,075,561, T>C. VCF-style: chr4-88075561-T-C. GRCh37 (hg19) VCF-style: chr4-88996713-T-C.
Other names: short protein forms I925T.
Identifiers: ClinVar variation 3702854 (VCV003702854.2).
Genomic context (GRCh38, chr4:88,075,561, plus strand): 5'-TGGAACGGCTAGTACGTGAAGAGTTGGAACGCTGGGAATCCGATGATGCAGCTTCCCAGA[T>C]CAGTCATGGTTTAGGCACGCCAGTGGGACTAAATGGTCAACCTCGCCCCAGAAGCTCCCG-3'
Protein context (NP_000288.1, residues 915-935): RWESDDAASQ[Ile925Thr]SHGLGTPVGL

ClinVar aggregate classification (germline): Uncertain significance (1 of 4 stars; one submission).

Conditions:
Autosomal dominant polycystic kidney disease. Identifiers: Orphanet 730, MedGen C0085413, MONDO:0004691.

gnomAD v4.1: 14 of 1,613,996 alleles (0.00087%); highest among the groups gnomAD compares: Non-Finnish European, 0.0011%; no homozygotes.

Submission:

Labcorp Genetics (formerly Invitae), Labcorp
Classification: Uncertain significance for Autosomal dominant polycystic kidney disease. Last evaluated: 2025-07-02. Review status: criteria provided, single submitter. Criteria: Invitae Variant Classification Sherloc (09022015). Collection method: clinical testing. Allele origin: germline.
Comment: This sequence change replaces isoleucine, which is neutral and non-polar, with threonine, which is neutral and polar, at codon 925 of the PKD2 protein (p.Ile925Thr). This variant is not present in population databases (gnomAD no frequency). This variant has not been reported in the literature in individuals affected with PKD2-related conditions. ClinVar contains an entry for this variant (Variation ID: 3702854). An algorithm developed to predict the effect of missense changes on protein structure and function outputs the following: PolyPhen-2: "Benign". The threonine amino acid residue is found in multiple mammalian species, which suggests that this missense change does not adversely affect protein function. In summary, the available evidence is currently insufficient to determine the role of this variant in disease. Therefore, it has been classified as a Variant of Uncertain Significance.